The following is an entry in ClinVar:

ClinVar aggregate classification (germline): Pathogenic (1 of 4 stars; one submission).

Submission:

Labcorp Genetics (formerly Invitae), Labcorp
Classification: Pathogenic. Last evaluated: 2023-07-03. Review status: criteria provided, single submitter. Criteria: Invitae Variant Classification Sherloc (09022015). Collection method: clinical testing. Allele origin: germline.
Comment: For these reasons, this variant has been classified as Pathogenic. This variant has not been reported in the literature in individuals affected with PDE6A-related conditions. This variant is not present in population databases (gnomAD no frequency). This sequence change creates a premature translational stop signal (p.Pro337Leufs*6) in the PDE6A gene. It is expected to result in an absent or disrupted protein product. Loss-of-function variants in PDE6A are known to be pathogenic (PMID: 7493036, 22128245, 23847139).

Literature cited by the submitters: PubMed 7493036; PubMed 22128245; PubMed 23847139.

NM_000440.3(PDE6A):c.1010del (p.Pro337fs)

Gene: PDE6A (phosphodiesterase 6A; minus strand). Cytogenetic location: 5q32.
Variant type: Deletion.
Coding change: c.1010del on transcript NM_000440.3 (MANE Select); coding-DNA position 1010, one base deleted (C; older notation c.1010delC).
Protein change: p.Pro337fs; shifts the reading frame from proline 337.
Molecular consequence: frameshift variant.
Genome position (GRCh38, 1-based): chr5:149,907,367, G deleted on the plus strand (C on the coding strand, the reverse complement: PDE6A is on the minus strand); the first of 2 consecutive G bases (chr5:149,907,367-149,907,368); deleting either gives the same sequence. VCF-style (leftmost placement, unchanged base first): chr5-149907366-AG-A. GRCh37 (hg19) VCF-style: chr5-149286929-AG-A.
Other names: c.767del, p.Pro256fs (NM_001410788.1); short protein forms P256fs, P337fs.
Identifiers: ClinVar variation 2734858 (VCV002734858.3), dbSNP rs2480610422, ClinGen allele CA2697546546.